The following is an entry in ClinVar:

NM_001369268.1(ACAN):c.1753C>T (p.Arg585Cys)

Gene: ACAN (aggrecan; plus strand). Cytogenetic location: 15q26.1.
Variant type: single nucleotide variant.
Coding change: c.1753C>T on transcript NM_001369268.1 (MANE Select); coding-DNA position 1753, C replaced by T.
Protein change: p.Arg585Cys; replaces arginine 585 with cysteine.
Molecular consequence: missense variant.
Genome position (GRCh38, 1-based): chr15:88,849,458, C>T. VCF-style: chr15-88849458-C-T. GRCh37 (hg19) VCF-style: chr15-89392689-C-T.
Other names: c.1753C>T, p.Arg585Cys (NM_001135.4, NM_013227.4); short protein forms R585C.
Identifiers: ClinVar variation 1416875 (VCV001416875.8), dbSNP rs144501729, ClinGen allele CA7719683.

ClinVar aggregate classification (germline): Uncertain significance (1 of 4 stars; one submission).

Allele frequency attached by ClinVar (database versions not stated): ESP Exome Variant Server 0.00008.
gnomAD v4.1: 19 of 1,596,502 alleles (0.0012%); highest among the groups gnomAD compares: African/African-American, 0.017%; no homozygotes.

Submission:

Labcorp Genetics (formerly Invitae), Labcorp
Classification: Uncertain significance. Last evaluated: 2025-10-01. Review status: criteria provided, single submitter. Criteria: Invitae Variant Classification Sherloc (09022015). Collection method: clinical testing. Allele origin: germline.
Comment: This sequence change replaces arginine, which is basic and polar, with cysteine, which is neutral and slightly polar, at codon 585 of the ACAN protein (p.Arg585Cys). The frequency data for this variant in the population databases is considered unreliable, as metrics indicate poor data quality at this position in the gnomAD database. This variant has not been reported in the literature in individuals affected with ACAN-related conditions. ClinVar contains an entry for this variant (Variation ID: 1416875). Invitae Evidence Modeling of protein sequence and biophysical properties (such as structural, functional, and spatial information, amino acid conservation, physicochemical variation, residue mobility, and thermodynamic stability) indicates that this missense variant is not expected to disrupt ACAN protein function with a negative predictive value of 80%. In summary, the available evidence is currently insufficient to determine the role of this variant in disease. Therefore, it has been classified as a Variant of Uncertain Significance.